The following is an entry in ClinVar:

ClinVar aggregate classification (germline): Uncertain significance (1 of 4 stars; one submission).

Conditions:
Episodic ataxia type 2 (EA2). Also called: ATAXIA, EPISODIC, WITH NYSTAGMUS; ATAXIA, FAMILIAL PAROXYSMAL; ACETAZOLAMIDE-RESPONSIVE HEREDITARY PAROXYSMAL CEREBELLAR ATAXIA; CEREBELLAR ATAXIA, PAROXYSMAL, ACETAZOLAMIDE-RESPONSIVE; CEREBELLOPATHY, HEREDITARY PAROXYSMAL; EPISODIC ATAXIA, NYSTAGMUS-ASSOCIATED. Identifiers: Orphanet 97, MedGen C1720416, MONDO:0007163, OMIM 108500.
Developmental and epileptic encephalopathy, 42 (DEE42A). Also called: Epileptic encephalopathy, early infantile, 42; DEVELOPMENTAL AND EPILEPTIC ENCEPHALOPATHY 42A; EPILEPTIC ENCEPHALOPATHY, EARLY INFANTILE, 42A. Identifiers: MedGen C4310716, MONDO:0014917, OMIM 617106.

Submission:

Labcorp Genetics (formerly Invitae), Labcorp
Classification: Uncertain significance for Developmental and epileptic encephalopathy, 42; Episodic ataxia type 2. Last evaluated: 2024-09-01. Review status: criteria provided, single submitter. Criteria: Invitae Variant Classification Sherloc (09022015). Collection method: clinical testing. Allele origin: germline.
Comment: This variant, c.15_38del, results in the deletion of 8 amino acid(s) of the CACNA1A protein (p.Asp6_Gly13del), but otherwise preserves the integrity of the reading frame. This variant is not present in population databases (gnomAD no frequency). This variant has not been reported in the literature in individuals affected with CACNA1A-related conditions. Experimental studies and prediction algorithms are not available or were not evaluated, and the functional significance of this variant is currently unknown. In summary, the available evidence is currently insufficient to determine the role of this variant in disease. Therefore, it has been classified as a Variant of Uncertain Significance.

NM_001127222.2(CACNA1A):c.15_38del (p.Asp6_Gly13del)

Gene: CACNA1A (calcium voltage-gated channel subunit alpha1 A; minus strand). Cytogenetic location: 19p13.13.
Variant type: Deletion.
Coding change: c.15_38del on transcript NM_001127222.2 (MANE Select); coding-DNA positions 15 to 38, 24 bases deleted (AGACGAGATGCCGGCCCGCTACGG).
Protein change: p.Asp6_Gly13del.
Molecular consequence: inframe deletion.
Genome position (GRCh38, 1-based): chr19:13,506,187-13,506,210, CCGTAGCGGGCCGGCATCTCGTCT deleted on the plus strand (AGACGAGATGCCGGCCCGCTACGG on the coding strand, the reverse complement: CACNA1A is on the minus strand); deleting any 24 consecutive bases within chr19:13,506,187-13,506,213 gives the same sequence; the c. name uses the placement nearest the transcript's 3' end. VCF-style (leftmost placement, unchanged base first): chr19-13506186-CCCGTAGCGGGCCGGCATCTCGTCT-C. GRCh37 (hg19) VCF-style: chr19-13617000-CCCGTAGCGGGCCGGCATCTCGTCT-C.
Other names: c.15_38del, p.Asp6_Gly13del (NM_000068.4, NM_001127221.2, NM_001174080.2 and 1 more transcripts).
Identifiers: ClinVar variation 3753245 (VCV003753245.2).